The following is an entry in ClinVar:

NM_002273.4(KRT8):c.160T>C (p.Tyr54His)

Gene: KRT8 (keratin 8; minus strand). Cytogenetic location: 12q13.13.
Variant type: single nucleotide variant.
Coding change: c.160T>C on transcript NM_002273.4 (MANE Select); coding-DNA position 160, T replaced by C.
Protein change: p.Tyr54His; replaces tyrosine 54 with histidine.
Molecular consequence: missense variant. On other transcripts: non-coding transcript variant (1).
Genome position (GRCh38, 1-based): chr12:52,904,822, A>G on the plus strand (T>C on the coding strand, the complement: KRT8 is on the minus strand). VCF-style: chr12-52904822-A-G. GRCh37 (hg19) VCF-style: chr12-53298606-A-G.
Other names: Y53H; c.244T>C, p.Tyr82His (NM_001256282.2); c.160T>C, p.Tyr54His (NM_001256293.2); short protein forms Y54H, Y82H.
Identifiers: ClinVar variation 14631 (VCV000014631.8), dbSNP rs57749775, ClinGen allele CA124165.

ClinVar aggregate classification (germline): Benign/Likely benign. Review status: criteria provided, multiple submitters, no conflicts (2 of 4 stars). 6 submissions from 6 submitters: Benign (2); Likely benign (1). 3 of the submissions do not count toward it. Last evaluated 2026-06-05.

Conditions:
Cirrhosis, cryptogenic. Identifiers: MedGen C0267809.
Hepatitis C virus, susceptibility to. Also called: HCV, SUSCEPTIBILITY TO. Identifiers: MedGen C1835407, MONDO:0012292, OMIM 609532.

Allele frequency attached by ClinVar (database versions not stated): 1000 Genomes Project 30x 0.00687; gnomAD 0.00715 and 0.00667; TOPMed 0.00717; 1000 Genomes Project 0.00679.
gnomAD v4.1: 1,957 of 1,612,398 alleles (0.12%); highest among the groups gnomAD compares: African/African-American, 2.2%; 19 homozygotes.

Submissions (6):

Women's Health and Genetics/Laboratory Corporation of America, LabCorp
Classification: Likely benign. Last evaluated: 2026-06-05. Review status: criteria provided, single submitter. Criteria: LabCorp Variant Classification Summary - May 2015. Collection method: clinical testing. Allele origin: germline.
Comment: Variant summary: KRT8 c.160T>C (p.Tyr54His) results in a conservative amino acid change in the encoded protein sequence. Algorithms developed to predict the effect of missense changes on protein structure and function are either unavailable or do not agree on the potential impact of this missense change. The variant allele was found at a frequency of 0.0017 in 248332 control chromosomes, predominantly at a frequency of 0.023 within the African or African-American subpopulation in the gnomAD database, including 9 homozygotes. The observed variant frequency within African or African-American control individuals in the gnomAD database exceeds the estimated maximal expected allele frequency for disease-causing variants in KRT8. c.160T>C has been observed in individual(s) with heterozygous genotype affected with cryptogenic liver disease (Ku_2001). These reports do not provide unequivocal conclusions about the association of the variant with disease. One publication reports experimental evidence evaluating the impact on protein function; however, it does not prove clinical pathogenicity (Ku_2001). The following publications have been ascertained in the context of this evaluation (PMID: 31589614, 11372009). ClinVar contains an entry for this variant (Variation ID: 14631). Based on the evidence outlined above, the variant was classified as likely benign.

Mendelics
Classification: Benign for Hepatitis C virus, susceptibility to. Last evaluated: 2023-08-22. Review status: criteria provided, single submitter. Criteria: Mendelics Assertion Criteria 2019. Collection method: clinical testing. Allele origin: germline.

H3Africa Consortium
Classification: Benign. Last evaluated: 2020-10-28. Review status: criteria provided, single submitter. Criteria: Choudhury A et al. (Nature 2020). Collection method: research. Allele origin: germline. Study: H3Africa.
Comment: While the frequency of the alternate allele in gnoMAD v2.0.2 is 0.051, its frequency in African populations is >5%. This suggests that previous classifications of this variant as pathogenic are in error.

Reproductive Health Research and Development, BGI Genomics
Classification: risk factor for Cirrhosis, cryptogenic. Last evaluated: 2020-01-06. Review status: no assertion criteria provided. Collection method: curation. Allele origin: germline. Not counted in ClinVar's aggregate classification.
Comment: NM_002273.3:c.160T>C in the KRT8 gene has an allele frequency of 0.022 in African subpopulation in the gnomAD database. Two patients with liver disease or noncryptogenic chronic or acute liver disease were found to have this variant (PMID: 11372009). The author proposed that mutations in the keratin 8 gene may predispose people to liver disease (PMID: 11372009; PMID: 12724528). Taken together, we interprete this variant as risk factor variant.

OMIM
Classification: Uncertain significance for RECLASSIFIED - VARIANT OF UNKNOWN SIGNIFICANCE. Last evaluated: 2001-05-24. Review status: no assertion criteria provided. Collection method: literature only. Allele origin: germline. Not counted in ClinVar's aggregate classification.

Epithelial Biology;  Institute of Medical Biology, Singapore
No classification provided. Review status: no classification provided. Collection method: not provided. Allele origin: not provided. Not counted in ClinVar's aggregate classification.

Literature cited by the submitters: PubMed 31589614 (cited by Women's Health and Genetics/Laboratory Corporation of America, LabCorp); PubMed 11372009 (cited by Women's Health and Genetics/Laboratory Corporation of America, LabCorp and OMIM); PubMed 15235035 (cited by OMIM).